The following is an entry in ClinVar:

NM_001298.3(CNGA3):c.1746C>T (p.Asp582=)

Gene: CNGA3 (cyclic nucleotide gated channel subunit alpha 3; plus strand). Cytogenetic location: 2q11.2.
Variant type: single nucleotide variant.
Coding change: c.1746C>T on transcript NM_001298.3 (MANE Select); coding-DNA position 1746, C replaced by T.
Protein change: p.Asp582=; no amino-acid change (aspartic acid 582 retained).
Molecular consequence: synonymous variant.
Genome position (GRCh38, 1-based): chr2:98,396,916, C>T. VCF-style: chr2-98396916-C-T. GRCh37 (hg19) VCF-style: chr2-99013379-C-T.
Other names: c.1692C>T, p.Asp564= (NM_001079878.2).
Identifiers: ClinVar variation 337665 (VCV000337665.16), dbSNP rs77311157, ClinGen allele CA1794080.

ClinVar aggregate classification (germline): Benign/Likely benign. Review status: criteria provided, multiple submitters, no conflicts (2 of 4 stars). 3 submissions from 3 submitters: Benign (1); Likely benign (2). Last evaluated 2026-01-19.

Conditions:
Achromatopsia 2 (ACHM2). Also called: COLORBLINDNESS, TOTAL; ROD MONOCHROMACY 2; ROD MONOCHROMATISM 2. Identifiers: Orphanet 49382, MedGen C1857618, MONDO:0009003, OMIM 216900.

Allele frequency attached by ClinVar (database versions not stated): ESP Exome Variant Server 0.00008; gnomAD 0.00023 and 0.00044; TOPMed 0.00045; gnomAD exomes 0.00054 and 0.00094; ExAC 0.00105; 1000 Genomes Project 30x 0.00359; 1000 Genomes Project 0.00399.
gnomAD v4.1: 861 of 1,614,106 alleles (0.053%); highest among the groups gnomAD compares: East Asian, 1.4%; 6 homozygotes.

Submissions (3):

Labcorp Genetics (formerly Invitae), Labcorp
Classification: Benign. Last evaluated: 2026-01-19. Review status: criteria provided, single submitter. Criteria: Invitae Variant Classification Sherloc (09022015). Collection method: clinical testing. Allele origin: germline.

Blueprint Genetics
Classification: Likely benign. Last evaluated: 2024-11-15. Review status: criteria provided, single submitter. Criteria: ACMG Guidelines, 2015. Collection method: clinical testing. Allele origin: germline.

Illumina Laboratory Services, Illumina
Classification: Likely benign for Achromatopsia 2. Last evaluated: 2018-01-13. Review status: criteria provided, single submitter. Criteria: ICSL Variant Classification Criteria 13 December 2019. Collection method: clinical testing. Allele origin: germline.
Comment: This variant was observed in the ICSL laboratory as part of a predisposition screen in an ostensibly healthy population. It had not been previously curated by ICSL or reported in the Human Gene Mutation Database (HGMD: prior to June 1st, 2018), and was therefore a candidate for classification through an automated scoring system. Utilizing variant allele frequency, disease prevalence and penetrance estimates, and inheritance mode, an automated score was calculated to assess if this variant is too frequent to cause the disease. Based on the score and internal cut-off values, a variant classified as likely benign is not then subjected to further curation. The score for this variant resulted in a classification of likely benign for this disease.